The following is an entry in ClinVar:

ClinVar aggregate classification (germline): Uncertain significance (1 of 4 stars; one submission).

Allele frequency attached by ClinVar (database versions not stated): gnomAD exomes below 0.00001; gnomAD 0.00001.
gnomAD v4.1: 5 of 1,208,576 alleles (0.00041%); highest among the groups gnomAD compares: Non-Finnish European, 0.00056%; no homozygotes.

Submission:

GeneDx
Classification: Uncertain significance. Last evaluated: 2023-04-12. Review status: criteria provided, single submitter. Criteria: GeneDx Variant Classification Process June 2021. Collection method: clinical testing. Allele origin: germline. Affected: yes.
Comment: Not observed at significant frequency in large population cohorts (gnomAD); In silico analysis supports that this missense variant has a deleterious effect on protein structure/function; Has not been previously published as pathogenic or benign to our knowledge

NM_015107.3(PHF8):c.2332C>T (p.Arg778Trp)

Gene: PHF8 (PHD finger protein 8; minus strand). Cytogenetic location: Xp11.22.
Variant type: single nucleotide variant.
Coding change: c.2332C>T on transcript NM_015107.3 (MANE Select); coding-DNA position 2332, C replaced by T.
Protein change: p.Arg778Trp; replaces arginine 778 with tryptophan.
Molecular consequence: missense variant.
Genome position (GRCh38, 1-based): chrX:53,985,025, G>A on the plus strand (C>T on the coding strand, the complement: PHF8 is on the minus strand). VCF-style: chrX-53985025-G-A. GRCh37 (hg19) VCF-style: chrX-54011458-G-A.
Other names: c.2440C>T, p.Arg814Trp (NM_001184896.1); c.2029C>T, p.Arg677Trp (NM_001184897.2); c.2281C>T, p.Arg761Trp (NM_001184898.2); short protein forms R677W, R761W, R778W, R814W.
Identifiers: ClinVar variation 2662466 (VCV002662466.1), dbSNP rs1050459941, ClinGen allele CA329924348.